The following is an entry in ClinVar:

ClinVar aggregate classification (germline): Uncertain significance (1 of 4 stars; one submission).

Conditions:
PRPH2-related disorder. Also called: PRPH2-related condition; PRPH2-related disorders. Identifiers: MedGen CN239395.

Submission:

Labcorp Genetics (formerly Invitae), Labcorp
Classification: Uncertain significance for PRPH2-related disorder. Last evaluated: 2023-02-20. Review status: criteria provided, single submitter. Criteria: Invitae Variant Classification Sherloc (09022015). Collection method: clinical testing. Allele origin: germline.
Comment: In summary, the available evidence is currently insufficient to determine the role of this variant in disease. Therefore, it has been classified as a Variant of Uncertain Significance. Advanced modeling of protein sequence and biophysical properties (such as structural, functional, and spatial information, amino acid conservation, physicochemical variation, residue mobility, and thermodynamic stability) performed at Invitae indicates that this missense variant is expected to disrupt PRPH2 protein function. ClinVar contains an entry for this variant (Variation ID: 1474592). This variant has not been reported in the literature in individuals affected with PRPH2-related conditions. This variant is present in population databases (rs748478593, gnomAD 0.003%). This sequence change replaces isoleucine, which is neutral and non-polar, with threonine, which is neutral and polar, at codon 177 of the PRPH2 protein (p.Ile177Thr).

NM_000322.5(PRPH2):c.530T>C (p.Ile177Thr)

Gene: PRPH2 (peripherin 2; minus strand). Cytogenetic location: 6p21.1.
Variant type: single nucleotide variant.
Coding change: c.530T>C on transcript NM_000322.5 (MANE Select); coding-DNA position 530, T replaced by C.
Protein change: p.Ile177Thr; replaces isoleucine 177 with threonine.
Molecular consequence: missense variant.
Genome position (GRCh38, 1-based): chr6:42,721,805, A>G on the plus strand (T>C on the coding strand, the complement: PRPH2 is on the minus strand). VCF-style: chr6-42721805-A-G. GRCh37 (hg19) VCF-style: chr6-42689543-A-G.
Other names: short protein forms I177T.
Identifiers: ClinVar variation 1474592 (VCV001474592.8), dbSNP rs748478593, ClinGen allele CA3808599.
Genomic context (GRCh38, chr6:42,721,805, plus strand): 5'-GCCACTCACTCTTTGACTTCTTTGGAGGAAAAGTCCAGGTAGCGATTGCTGATCCACTGA[A>G]TCTCAAACCAGTCCCGAAAACCGTTGTTGCCGCAGCATTTGAACTCGATCTGCAGCATGT-3'
Protein context (NP_000313.2, residues 167-187): GNNGFRDWFE[Ile177Thr]QWISNRYLDF